The following is an entry in ClinVar:

ClinVar aggregate classification (germline): Benign/Likely benign. Review status: criteria provided, multiple submitters, no conflicts (2 of 4 stars). 5 submissions from 5 submitters: Benign (4); Likely benign (1). Last evaluated 2025-12-15.

Conditions:
Nemaline myopathy 6 (NEM6). Also called: Nemaline myopathy 6, autosomal dominant. Identifiers: Orphanet 171439, MedGen C1836472, MONDO:0012237, OMIM 609273.

Allele frequency attached by ClinVar (database versions not stated): gnomAD exomes 0.00028; ExAC 0.00032; ESP Exome Variant Server 0.00059; gnomAD 0.00097 and 0.00106; TOPMed 0.00110; 1000 Genomes Project 30x 0.00125; 1000 Genomes Project 0.00140.
gnomAD v4.1: 277 of 1,593,792 alleles (0.017%); highest among the groups gnomAD compares: African/African-American, 0.33%; 1 homozygote.

Submissions (5):

Labcorp Genetics (formerly Invitae), Labcorp
Classification: Benign for Nemaline myopathy 6. Last evaluated: 2025-12-15. Review status: criteria provided, single submitter. Criteria: Invitae Variant Classification Sherloc (09022015). Collection method: clinical testing. Allele origin: germline.

Blueprint Genetics
Classification: Likely benign. Last evaluated: 2024-07-17. Review status: criteria provided, single submitter. Criteria: ACMG Guidelines, 2015. Collection method: clinical testing. Allele origin: germline.

CeGaT Center for Human Genetics Tuebingen
Classification: Benign. Last evaluated: 2022-07-01. Review status: criteria provided, single submitter. Criteria: CeGaT Center For Human Genetics Tuebingen Variant Classification Criteria Version 2. Collection method: clinical testing. Allele origin: germline. Affected: yes. Observed: 1 variant allele.
Comment: KBTBD13: BS1, BS2

GeneDx
Classification: Benign. Last evaluated: 2019-01-30. Review status: criteria provided, single submitter. Criteria: GeneDx Variant Classification Process June 2021. Collection method: clinical testing. Allele origin: germline. Affected: yes.

Illumina Laboratory Services, Illumina
Classification: Benign for Nemaline myopathy 6. Last evaluated: 2018-01-13. Review status: criteria provided, single submitter. Criteria: ICSL Variant Classification Criteria 13 December 2019. Collection method: clinical testing. Allele origin: germline.
Comment: This variant was observed in the ICSL laboratory as part of a predisposition screen in an ostensibly healthy population. It had not been previously curated by ICSL or reported in the Human Gene Mutation Database (HGMD: prior to June 1st, 2018), and was therefore a candidate for classification through an automated scoring system. Utilizing variant allele frequency, disease prevalence and penetrance estimates, and inheritance mode, an automated score was calculated to assess if this variant is too frequent to cause the disease. Based on the score and internal cut-off values, a variant classified as benign is not then subjected to further curation. The score for this variant resulted in a classification of benign for this disease.

NM_001101362.3(KBTBD13):c.981C>G (p.Thr327=)

Gene: KBTBD13 (kelch repeat and BTB domain containing 13; plus strand). Cytogenetic location: 15q22.31.
Variant type: single nucleotide variant.
Coding change: c.981C>G on transcript NM_001101362.3 (MANE Select); coding-DNA position 981, C replaced by G.
Protein change: p.Thr327=; no amino-acid change (threonine 327 retained).
Molecular consequence: synonymous variant.
Genome position (GRCh38, 1-based): chr15:65,077,796, C>G. VCF-style: chr15-65077796-C-G. GRCh37 (hg19) VCF-style: chr15-65370134-C-G.
Identifiers: ClinVar variation 316749 (VCV000316749.43), dbSNP rs184130258, ClinGen allele CA7614037.